The following is an entry in ClinVar:

ClinVar aggregate classification (germline): Uncertain significance. Review status: criteria provided, multiple submitters, no conflicts (2 of 4 stars). 3 submissions from 3 submitters: Uncertain significance (2). 1 of the submissions does not count toward it. Last evaluated 2025-07-03.

Conditions:
Inborn genetic diseases. Identifiers: MedGen C0950123, MeSH D030342.
MYO5B-related disorder. Also called: MYO5B-related condition.

Allele frequency attached by ClinVar (database versions not stated): gnomAD 0.00007 and 0.00008; gnomAD exomes 0.00007 and 0.00019; ExAC 0.00008; TOPMed 0.00009; ESP Exome Variant Server 0.00041.
gnomAD v4.1: 296 of 1,613,846 alleles (0.018%); highest among the groups gnomAD compares: Non-Finnish European, 0.023%; no homozygotes.

Submissions (3):

Ambry Genetics
Classification: Uncertain significance for Inborn genetic diseases. Last evaluated: 2025-07-03. Review status: criteria provided, single submitter. Criteria: Ambry Variant Classification Scheme 2023. Collection method: clinical testing. Allele origin: germline.

Labcorp Genetics (formerly Invitae), Labcorp
Classification: Uncertain significance. Last evaluated: 2022-08-03. Review status: criteria provided, single submitter. Criteria: Invitae Variant Classification Sherloc (09022015). Collection method: clinical testing. Allele origin: germline.
Comment: This sequence change replaces lysine, which is basic and polar, with glutamic acid, which is acidic and polar, at codon 821 of the MYO5B protein (p.Lys821Glu). This variant is present in population databases (rs199854266, gnomAD 0.02%). This variant has not been reported in the literature in individuals affected with MYO5B-related conditions. ClinVar contains an entry for this variant (Variation ID: 1431329). Algorithms developed to predict the effect of missense changes on protein structure and function are either unavailable or do not agree on the potential impact of this missense change (SIFT: "Deleterious"; PolyPhen-2: "Probably Damaging"; Align-GVGD: "Class C0"). In summary, the available evidence is currently insufficient to determine the role of this variant in disease. Therefore, it has been classified as a Variant of Uncertain Significance.

PreventionGenetics, part of Exact Sciences
Classification: Uncertain significance for MYO5B-related condition. Last evaluated: 2024-07-05. Review status: no assertion criteria provided. Collection method: clinical testing. Allele origin: germline. Not counted in ClinVar's aggregate classification.
Comment: The MYO5B c.2461A>G variant is predicted to result in the amino acid substitution p.Lys821Glu. To our knowledge, this variant has not been reported in the literature. This variant is reported in 0.015% of alleles in individuals of European (Non-Finnish) descent in gnomAD. At this time, the clinical significance of this variant is uncertain due to the absence of conclusive functional and genetic evidence.

NM_001080467.3(MYO5B):c.2461A>G (p.Lys821Glu)

Gene: MYO5B (myosin VB; minus strand). Cytogenetic location: 18q21.1.
Variant type: single nucleotide variant.
Coding change: c.2461A>G on transcript NM_001080467.3 (MANE Select); coding-DNA position 2461, A replaced by G.
Protein change: p.Lys821Glu; replaces lysine 821 with glutamic acid.
Molecular consequence: missense variant.
Genome position (GRCh38, 1-based): chr18:49,904,782, T>C on the plus strand (A>G on the coding strand, the complement: MYO5B is on the minus strand). VCF-style: chr18-49904782-T-C. GRCh37 (hg19) VCF-style: chr18-47431152-T-C.
Other names: c.2461A>G (NM_001080467.2); short protein forms K821E.
Identifiers: ClinVar variation 1431329 (VCV001431329.6), dbSNP rs199854266, ClinGen allele CA8961066.